The following is an entry in ClinVar:

ClinVar aggregate classification (germline): Conflicting classifications of pathogenicity. Review status: criteria provided, conflicting classifications (1 of 4 stars). 3 submissions from 3 submitters: Uncertain significance (2); Likely benign (1). Last evaluated 2025-08-28.

Conditions:
Inborn genetic diseases. Identifiers: MedGen C0950123, MeSH D030342.
Cardioencephalomyopathy, fatal infantile, due to cytochrome c oxidase deficiency 2 (MC4DN6). Also called: MITOCHONDRIAL COMPLEX IV DEFICIENCY, NUCLEAR TYPE 6. Identifiers: Orphanet 1561, MedGen C3554534, MONDO:0014051, OMIM 615119.

Allele frequency attached by ClinVar (database versions not stated): gnomAD exomes 0.00001 and 0.00004; ExAC 0.00005; gnomAD 0.00006 and 0.00011; TOPMed 0.00012; ESP Exome Variant Server 0.00023; 1000 Genomes Project 0.00040; 1000 Genomes Project 30x 0.00062.
gnomAD v4.1: 37 of 1,613,616 alleles (0.0023%); highest among the groups gnomAD compares: African/African-American, 0.047%; no homozygotes.

Submissions (3):

Ambry Genetics
Classification: Uncertain significance for Inborn genetic diseases. Last evaluated: 2025-08-28. Review status: criteria provided, single submitter. Criteria: Ambry Variant Classification Scheme 2023. Collection method: clinical testing. Allele origin: germline.

Baylor Genetics
Classification: Uncertain significance for Cardioencephalomyopathy, fatal infantile, due to cytochrome c oxidase deficiency 2. Last evaluated: 2018-04-13. Review status: criteria provided, single submitter. Criteria: ACMG Guidelines, 2015. Collection method: clinical testing. Allele origin: unknown. Affected: yes.
Comment: This variant was determined to be of uncertain significance according to ACMG Guidelines, 2015 [PMID:25741868].

GeneDx
Classification: Likely benign. Last evaluated: 2017-05-01. Review status: criteria provided, single submitter. Criteria: GeneDx Variant Classification (06012015). Collection method: clinical testing. Allele origin: germline. Affected: yes.
Comment: This variant is considered likely benign or benign based on one or more of the following criteria: it is a conservative change, it occurs at a poorly conserved position in the protein, it is predicted to be benign by multiple in silico algorithms, and/or has population frequency not consistent with disease.

NM_078470.6(COX15):c.1015G>A (p.Val339Met)

Gene: COX15 (cytochrome c oxidase assembly factor COX15; minus strand). Cytogenetic location: 10q24.2.
Variant type: single nucleotide variant.
Coding change: c.1015G>A on transcript NM_078470.6 (MANE Select); coding-DNA position 1015, G replaced by A.
Protein change: p.Val339Met; replaces valine 339 with methionine.
Molecular consequence: missense variant. On other transcripts: non-coding transcript variant (1).
Genome position (GRCh38, 1-based): chr10:99,716,434, C>T on the plus strand (G>A on the coding strand, the complement: COX15 is on the minus strand). VCF-style: chr10-99716434-C-T. GRCh37 (hg19) VCF-style: chr10-101476191-C-T.
Other names: p.V339M:GTG>ATG; c.1015G>A, p.Val339Met (NM_001320974.2, NM_001372024.1, NM_001372027.1 and 1 more transcripts); c.860G>A, p.Ser287Asn (NM_001320975.2, NM_001372028.1); c.478G>A, p.Val160Met (NM_001320976.2); c.1033G>A, p.Val345Met (NM_001372025.1); c.988G>A, p.Val330Met (NM_001372026.1); short protein forms V339M, V160M, S287N, V345M, V330M.
Identifiers: ClinVar variation 214252 (VCV000214252.3), dbSNP rs141830307, ClinGen allele CA325337.